The following is an entry in ClinVar:

ClinVar aggregate classification (germline): Conflicting classifications of pathogenicity. Review status: criteria provided, conflicting classifications (1 of 4 stars). 4 submissions from 4 submitters: Likely pathogenic (2); Uncertain significance (2). Last evaluated 2023-01-24.

Conditions:
Autosomal dominant sensory ataxia 1. Identifiers: MedGen C1837015, MONDO:0012166, OMIM 608984.

Allele frequency attached by ClinVar (database versions not stated): gnomAD exomes 0.00023; gnomAD 0.00001 and 0.00007; ExAC 0.00023; 1000 Genomes Project 30x 0.00031; TOPMed 0.00002.
gnomAD v4.1: 198 of 1,586,676 alleles (0.012%); highest among the groups gnomAD compares: South Asian, 0.18%; 5 homozygotes.

Submissions (4):

Women's Health and Genetics/Laboratory Corporation of America, LabCorp
Classification: Uncertain significance. Last evaluated: 2023-01-24. Review status: criteria provided, single submitter. Criteria: LabCorp Variant Classification Summary - May 2015. Collection method: clinical testing. Allele origin: germline.
Comment: Variant summary: RNF170 c.640A>G (p.Ile214Val) results in a conservative amino acid change located in the domain of unknown function DUF1232 (IPR010652) of the encoded protein sequence. Four of five in-silico tools predict a benign effect of the variant on protein function. The variant allele was found at a frequency of 0.00023 in 225378 control chromosomes, including 2 homozygotes, occurring predominantly at a frequency of 0.0017 within the South Asian subpopulation in the gnomAD database, suggesting this variant may be benign. c.640A>G has been reported in the literature in the heterozygous state in an individual affected with spastic paraparesis who underwent WES, however no second variant was identified (Sahin_2022). This report does not provide unequivocal conclusions about association of the variant with autosomal recessive spastic paraplegia. To our knowledge, no experimental evidence demonstrating an impact on protein function has been reported. One clinical diagnostic laboratory has submitted a clinical-significance assessment for this variant to ClinVar after 2014 without evidence for independent evaluation and classified the variant as uncertain significance. Based on the evidence outlined above, the variant was classified as VUS-possibly benign.

Mendelics
Classification: Uncertain significance. Last evaluated: 2022-05-04. Review status: criteria provided, single submitter. Criteria: Mendelics Assertion Criteria 2019. Collection method: clinical testing. Allele origin: germline.

Genetics and Genomic Medicine Centre, NeuroGen Healthcare, NeuroGen Healthcare
Classification: Likely pathogenic for Autosomal dominant sensory ataxia 1. Last evaluated: 2019-10-05. Review status: criteria provided, single submitter. Criteria: Submitter's publication. Collection method: clinical testing. Allele origin: unknown. Affected: no.

Genetic Services Laboratory, University of Chicago
Classification: Likely pathogenic for Ataxia, sensory, 1, autosomal dominant. Last evaluated: 2014-03-06. Review status: criteria provided, single submitter. Criteria: ACMG Guidelines, 2007. Collection method: clinical testing. Allele origin: germline. Inheritance: Autosomal dominant inheritance. Affected: yes.

Literature cited by the submitters: PubMed 31589614 (cited by Women's Health and Genetics/Laboratory Corporation of America, LabCorp); PubMed 34420199 (cited by Women's Health and Genetics/Laboratory Corporation of America, LabCorp).

NM_030954.4(RNF170):c.640A>G (p.Ile214Val)

Gene: RNF170 (ring finger protein 170; minus strand). Cytogenetic location: 8p11.21.
Variant type: single nucleotide variant.
Coding change: c.640A>G on transcript NM_030954.4 (MANE Select); coding-DNA position 640, A replaced by G.
Protein change: p.Ile214Val; replaces isoleucine 214 with valine.
Molecular consequence: missense variant. On other transcripts: non-coding transcript variant (2), intron variant (1).
Genome position (GRCh38, 1-based): chr8:42,856,296, T>C on the plus strand (A>G on the coding strand, the complement: RNF170 is on the minus strand). VCF-style: chr8-42856296-T-C. GRCh37 (hg19) VCF-style: chr8-42711439-T-C.
Other names: c.640A>G, p.Ile214Val (NM_001160223.2); c.388A>G, p.Ile130Val (NM_001160225.2); c.397-5299A>G (NM_001160224.2); c.640A>G (NM_030954.3); short protein forms I214V, I130V.
Identifiers: ClinVar variation 130158 (VCV000130158.12), dbSNP rs587780441, ClinGen allele CA154972.